The following is an entry in ClinVar:

ClinVar aggregate classification (germline): Uncertain significance. Review status: criteria provided, multiple submitters, no conflicts (2 of 4 stars). 2 submissions from 2 submitters: Uncertain significance (2). Last evaluated 2025-09-09.

Conditions:
Inborn genetic diseases. Identifiers: MedGen C0950123, MeSH D030342.

Allele frequency attached by ClinVar (database versions not stated): TOPMed 0.00001; ExAC 0.00003; ESP Exome Variant Server 0.00008; 1000 Genomes Project 30x 0.00016; 1000 Genomes Project 0.00020.

Submissions (2):

Ambry Genetics
Classification: Uncertain significance for Inborn genetic diseases. Last evaluated: 2025-09-09. Review status: criteria provided, single submitter. Criteria: Ambry Variant Classification Scheme 2023. Collection method: clinical testing. Allele origin: germline.

Women's Health and Genetics/Laboratory Corporation of America, LabCorp
Classification: Uncertain significance. Last evaluated: 2024-10-08. Review status: criteria provided, single submitter. Criteria: LabCorp Variant Classification Summary - May 2015. Collection method: clinical testing. Allele origin: germline.
Comment: Variant summary: VANGL1 c.787C>T (p.Arg263Cys) results in a non-conservative amino acid change in the encoded protein sequence. Five of five in-silico tools predict a damaging effect of the variant on protein function. The variant allele was found at a frequency of 2e-05 in 248654 control chromosomes. The available data on variant occurrences in the general population are insufficient to allow any conclusion about variant significance. To our knowledge, no occurrence of c.787C>T in individuals affected with VANGL1-Related Disorders and no experimental evidence demonstrating its impact on protein function have been reported. ClinVar contains an entry for this variant (Variation ID: 2508375). Based on the evidence outlined above, the variant was classified as uncertain significance.

NM_138959.3(VANGL1):c.787C>T (p.Arg263Cys)

Gene: VANGL1 (VANGL planar cell polarity protein 1; plus strand). Cytogenetic location: 1p13.1.
Variant type: single nucleotide variant.
Coding change: c.787C>T on transcript NM_138959.3 (MANE Select); coding-DNA position 787, C replaced by T.
Protein change: p.Arg263Cys; replaces arginine 263 with cysteine.
Molecular consequence: missense variant.
Genome position (GRCh38, 1-based): chr1:115,664,243, C>T. VCF-style: chr1-115664243-C-T. GRCh37 (hg19) VCF-style: chr1-116206864-C-T.
Other names: c.781C>T, p.Arg261Cys (NM_001172411.2); c.787C>T, p.Arg263Cys (NM_001172412.2); short protein forms R261C, R263C.
Identifiers: ClinVar variation 2508375 (VCV002508375.4), dbSNP rs377435467, ClinGen allele CA1023318.